The following is an entry in ClinVar:

NM_032043.3(BRIP1):c.107T>C (p.Leu36Ser)

Gene: BRIP1 (BRCA1 interacting DNA helicase 1; minus strand). Cytogenetic location: 17q23.2.
Variant type: single nucleotide variant.
Coding change: c.107T>C on transcript NM_032043.3 (MANE Select); coding-DNA position 107, T replaced by C.
Protein change: p.Leu36Ser; replaces leucine 36 with serine.
Molecular consequence: missense variant.
Genome position (GRCh38, 1-based): chr17:61,859,894, A>G on the plus strand (T>C on the coding strand, the complement: BRIP1 is on the minus strand). VCF-style: chr17-61859894-A-G. GRCh37 (hg19) VCF-style: chr17-59937255-A-G.
Other names: short protein forms L36S.
Identifiers: ClinVar variation 407852 (VCV000407852.9), dbSNP rs1060501767, ClinGen allele CA16615847.

ClinVar aggregate classification (germline): Uncertain significance (1 of 4 stars; one submission).

Conditions:
Familial cancer of breast. Also called: Hereditary breast cancer; hereditary breast carcinoma; BREAST CANCER, FAMILIAL. Identifiers: Orphanet 227535, MedGen C0346153, MONDO:0016419, OMIM 114480. Disease mechanism: loss of function.
Fanconi anemia complementation group J. Also called: BRIP1-Related Fanconi Anemia. Identifiers: Orphanet 84, MedGen C1836860, MONDO:0012187, OMIM 609054.

Submission:

Labcorp Genetics (formerly Invitae), Labcorp
Classification: Uncertain significance for Familial cancer of breast; Fanconi anemia complementation group J. Last evaluated: 2016-11-06. Review status: criteria provided, single submitter. Criteria: Invitae Variant Classification Sherloc (09022015). Collection method: clinical testing. Allele origin: germline.
Comment: In summary, this variant is a novel missense change with uncertain impact on protein function. It has been classified as a Variant of Uncertain Significance. Algorithms developed to predict the effect of missense changes on protein structure and function (SIFT, PolyPhen-2, Align-GVGD) all suggest that this variant is likely to be disruptive, but these predictions have not been confirmed by published functional studies. This variant is not present in population databases (ExAC no frequency) and has not been reported in the literature in individuals with a BRIP1-related disease. This sequence change replaces leucine with serine at codon 36 of the BRIP1 protein (p.Leu36Ser). The leucine residue is highly conserved and there is a large physicochemical difference between leucine and serine.